The following is an entry in ClinVar:

NM_001822.7(CHN1):c.*422C>T

Gene: CHN1 (chimerin 1; minus strand). Cytogenetic location: 2q31.1.
Variant type: single nucleotide variant.
Coding change: c.*422C>T on transcript NM_001822.7 (MANE Select); 422 bases downstream of the stop codon, C replaced by T.
Molecular consequence: 3 prime UTR variant. On other transcripts: non-coding transcript variant (1).
Genome position (GRCh38, 1-based): chr2:174,799,694, G>A on the plus strand (C>T on the coding strand, the complement: CHN1 is on the minus strand). VCF-style: chr2-174799694-G-A. GRCh37 (hg19) VCF-style: chr2-175664422-G-A.
Other names: c.*422C>T (NM_001371514.1, NM_001025201.4, NM_001206602.2 and 1 more transcripts).
Identifiers: ClinVar variation 893549 (VCV000893549.4), dbSNP rs1294339436, ClinGen allele CA537762426.

ClinVar aggregate classification (germline): Uncertain significance (1 of 4 stars; one submission).

Conditions:
Duane retraction syndrome 2. Identifiers: Orphanet 233, MedGen C0751083, MONDO:0011444, OMIM 604356.

Allele frequency attached by ClinVar (database versions not stated): gnomAD 0.00001; gnomAD exomes 0.00001 and 0.00003; TOPMed 0.00003.
gnomAD v4.1: 14 of 534,022 alleles (0.0026%); highest among the groups gnomAD compares: South Asian, 0.0092%; no homozygotes.

Submission:

Illumina Laboratory Services, Illumina
Classification: Uncertain significance for Duane retraction syndrome 2. Last evaluated: 2017-04-27. Review status: criteria provided, single submitter. Criteria: ICSL Variant Classification Criteria 13 December 2019. Collection method: clinical testing. Allele origin: germline.
Comment: This variant was observed as part of a predisposition screen in an ostensibly healthy population. A literature search was performed for the gene, cDNA change, and amino acid change (where applicable). Publications were found based on this search. However, the evidence from the literature, in combination with allele frequency data from public databases where available, was not sufficient to rule this variant in or out of causing disease. Therefore, this variant is classified as a variant of unknown significance.

Literature cited by the submitters: PubMed 21555619.